The following is an entry in ClinVar:

NM_206937.2(LIG4):c.138G>A (p.Trp46Ter)

Gene: LIG4 (DNA ligase 4; minus strand). Cytogenetic location: 13q33.3.
Variant type: single nucleotide variant.
Coding change: c.138G>A on transcript NM_206937.2 (MANE Select); coding-DNA position 138, G replaced by A.
Protein change: p.Trp46Ter; replaces tryptophan 46 with a stop codon.
Molecular consequence: nonsense. On other transcripts: 5 prime UTR variant (1).
Genome position (GRCh38, 1-based): chr13:108,211,131, C>T on the plus strand (G>A on the coding strand, the complement: LIG4 is on the minus strand). VCF-style: chr13-108211131-C-T. GRCh37 (hg19) VCF-style: chr13-108863479-C-T.
Other names: c.138G>A, p.Trp46Ter (NM_001098268.2, NM_001352598.2, NM_001352599.2 and 6 more transcripts); c.-64G>A (NM_001330595.2); c.174G>A, p.Trp58Ter (NM_001352604.2); short protein forms W46*, W58*.
Identifiers: ClinVar variation 4708891 (VCV004708891.2).

ClinVar aggregate classification (germline): Pathogenic/Likely pathogenic. Review status: criteria provided, multiple submitters, no conflicts (2 of 4 stars). 2 submissions from 2 submitters: Pathogenic (1); Likely pathogenic (1). Last evaluated 2025-04-02.

Conditions:
DNA ligase IV deficiency. Identifiers: Orphanet 99812, MedGen C1847827, MONDO:0011686, OMIM 606593.
LIG4-related disorder. Also called: LIG4-related condition; LIG4-related disorders. Identifiers: MedGen CN239380.

gnomAD v4.1: 2 of 1,611,524 alleles (0.00012%); highest among the groups gnomAD compares: African/African-American, 0.0027%; no homozygotes.

Submissions (2):

Labcorp Genetics (formerly Invitae), Labcorp
Classification: Pathogenic for DNA ligase IV deficiency. Last evaluated: 2025-04-02. Review status: criteria provided, single submitter. Criteria: Invitae Variant Classification Sherloc (09022015). Collection method: clinical testing. Allele origin: germline.
Comment: This sequence change creates a premature translational stop signal (p.Trp46*) in the LIG4 gene. While this is not anticipated to result in nonsense mediated decay, it is expected to disrupt the last 866 amino acid(s) of the LIG4 protein. This variant is not present in population databases (gnomAD no frequency). This variant has not been reported in the literature in individuals affected with LIG4-related conditions. This variant disrupts a region of the LIG4 protein in which other variant(s) (p.Gln904*) have been determined to be pathogenic (PMID: 34630384). This suggests that this is a clinically significant region of the protein, and that variants that disrupt it are likely to be disease-causing. For these reasons, this variant has been classified as Pathogenic.

Blueprint Genetics
Classification: Likely pathogenic for LIG4-related disorders. Last evaluated: 2022-06-29. Review status: criteria provided, single submitter. Criteria: ACMG Guidelines, 2015. Collection method: clinical testing. Allele origin: germline. Affected: yes. Observed: 1 variant allele.

Literature cited by the submitters: PubMed 34630384 (cited by Labcorp Genetics (formerly Invitae), Labcorp).